The following is an entry in ClinVar:

NM_002386.4(MC1R):c.778C>T (p.His260Tyr)

Gene: MC1R (melanocortin 1 receptor; plus strand). Cytogenetic location: 16q24.3.
Variant type: single nucleotide variant.
Coding change: c.778C>T on transcript NM_002386.4 (MANE Select); coding-DNA position 778, C replaced by T.
Protein change: p.His260Tyr; replaces histidine 260 with tyrosine.
Molecular consequence: missense variant.
Genome position (GRCh38, 1-based): chr16:89,920,036, C>T. VCF-style: chr16-89920036-C-T. GRCh37 (hg19) VCF-style: chr16-89986444-C-T.
Other names: c.778C>T (NM_002386.3); short protein forms H260Y.
Identifiers: ClinVar variation 2723706 (VCV002723706.4), dbSNP rs1301300922, ClinGen allele CA397463250.
Genomic context (GRCh38, chr16:89,920,036, plus strand): 5'-GCTGTCACCCTCACCATCCTGCTGGGCATTTTCTTCCTCTGCTGGGGCCCCTTCTTCCTG[C>T]ATCTCACACTCATCGTCCTCTGCCCCGAGCACCCCACGTGCGGCTGCATCTTCAAGAACT-3'
Protein context (NP_002377.4, residues 250-270): FFLCWGPFFL[His260Tyr]LTLIVLCPEH

ClinVar aggregate classification (germline): Uncertain significance. Review status: criteria provided, multiple submitters, no conflicts (2 of 4 stars). 2 submissions from 2 submitters: Uncertain significance (2). Last evaluated 2025-08-29.

Conditions:
Melanoma, cutaneous malignant, susceptibility to, 5. Also called: Cutaneous malignant melanoma 5. Identifiers: Orphanet 618, MedGen C2751295, MONDO:0013133, OMIM 613099.

Allele frequency attached by ClinVar (database versions not stated): gnomAD exomes below 0.00001; TOPMed 0.00001.
gnomAD v4.1: 6 of 1,613,806 alleles (0.00037%); highest among the groups gnomAD compares: Non-Finnish European, 0.00051%; no homozygotes.

Submissions (2):

Labcorp Genetics (formerly Invitae), Labcorp
Classification: Uncertain significance for Melanoma, cutaneous malignant, susceptibility to, 5. Last evaluated: 2025-08-29. Review status: criteria provided, single submitter. Criteria: Invitae Variant Classification Sherloc (09022015). Collection method: clinical testing. Allele origin: germline.
Comment: This sequence change replaces histidine, which is basic and polar, with tyrosine, which is neutral and polar, at codon 260 of the MC1R protein (p.His260Tyr). This variant is present in population databases (no rsID available, gnomAD 0.0009%). This variant has not been reported in the literature in individuals affected with MC1R-related conditions. ClinVar contains an entry for this variant (Variation ID: 2723706). Invitae Evidence Modeling of protein sequence and biophysical properties (such as structural, functional, and spatial information, amino acid conservation, physicochemical variation, residue mobility, and thermodynamic stability) indicates that this missense variant is not expected to disrupt MC1R protein function with a negative predictive value of 80%. In summary, the available evidence is currently insufficient to determine the role of this variant in disease. Therefore, it has been classified as a Variant of Uncertain Significance.

Ambry Genetics
Classification: Uncertain significance. Last evaluated: 2024-12-10. Review status: criteria provided, single submitter. Criteria: Ambry Variant Classification Scheme 2023. Collection method: clinical testing. Allele origin: germline.
Comment: The p.H260Y variant (also known as c.778C>T), located in coding exon 1 of the MC1R gene, results from a C to T substitution at nucleotide position 778. The histidine at codon 260 is replaced by tyrosine, an amino acid with similar properties. This amino acid position is conserved. In addition, this alteration is predicted to be tolerated by in silico analysis. Based on the available evidence, the clinical significance of this variant remains unclear.